The following is an entry in ClinVar:

NM_000719.7(CACNA1C):c.5016T>C (p.Asp1672=)

Genes: CACNA1C (calcium voltage-gated channel subunit alpha1 C; plus strand), CACNA1C-AS1 (CACNA1C antisense RNA 1; minus strand). Cytogenetic location: 12p13.33.
Variant type: single nucleotide variant.
Coding change: c.5016T>C on transcript NM_000719.7 (MANE Select); coding-DNA position 5016, T replaced by C.
Protein change: p.Asp1672=; no amino-acid change (aspartic acid 1672 retained).
Molecular consequence: synonymous variant. On other transcripts: non-coding transcript variant (1).
Genome position (GRCh38, 1-based): chr12:2,677,792, T>C. VCF-style: chr12-2677792-T-C. GRCh37 (hg19) VCF-style: chr12-2786958-T-C.
Other names: c.5160T>C, p.Asp1720= (NM_001129827.2, NM_199460.4); c.5139T>C, p.Asp1713= (NM_001129829.2); c.5016T>C, p.Asp1672= (NM_001129830.3, NM_001129840.2, NM_001129841.2 and 4 more transcripts); c.5100T>C, p.Asp1700= (NM_001129831.2); c.5076T>C, p.Asp1692= (NM_001129832.2); c.5073T>C, p.Asp1691= (NM_001129833.2, NM_001129834.2, NM_001129835.2); c.5067T>C, p.Asp1689= (NM_001129836.2); c.5040T>C, p.Asp1680= (NM_001129837.2, NM_001129838.2); and 3 more.
Identifiers: ClinVar variation 385171 (VCV000385171.1), dbSNP rs778856101, ClinGen allele CA16607245.
Genomic context (GRCh38, chr12:2,677,792, plus strand): 5'-GGCTGGCTTGCGCACACTGCATGACATCGGGCCTGAGATCCGACGGGCCATCTCTGGAGA[T>C]CTCACCGCTGAGGAGGAGCTGGACAAGGCCATGAAGGAGGCTGTGTCCGCTGCTTCTGAA-3'
Protein context (NP_000710.5, residues 1662-1682): GPEIRRAISG[Asp1672=]LTAEEELDKA

ClinVar aggregate classification (germline): Likely benign (1 of 4 stars; one submission).

gnomAD v4.1: 1 of 1,613,944 alleles (0.000062%); highest among the groups gnomAD compares: Non-Finnish European, 0.000085%; no homozygotes.

Submission:

GeneDx
Classification: Likely benign. Last evaluated: 2016-03-29. Review status: criteria provided, single submitter. Criteria: GeneDx Variant Classification (06012015). Collection method: clinical testing. Allele origin: germline. Affected: yes.
Comment: This variant is considered likely benign or benign based on one or more of the following criteria: it is a conservative change, it occurs at a poorly conserved position in the protein, it is predicted to be benign by multiple in silico algorithms, and/or has population frequency not consistent with disease.